The following is an entry in ClinVar:

NM_006514.4(SCN10A):c.3140G>A (p.Ser1047Asn)

Genes: SCN10A (sodium voltage-gated channel alpha subunit 10; minus strand), LOC110121288 (VISTA enhancer hs2268; plus strand). Cytogenetic location: 3p22.2.
Variant type: single nucleotide variant.
Coding change: c.3140G>A on transcript NM_006514.4 (MANE Select); coding-DNA position 3140, G replaced by A.
Protein change: p.Ser1047Asn; replaces serine 1047 with asparagine.
Molecular consequence: missense variant.
Genome position (GRCh38, 1-based): chr3:38,725,262, C>T on the plus strand (G>A on the coding strand, the complement: SCN10A is on the minus strand). VCF-style: chr3-38725262-C-T. GRCh37 (hg19) VCF-style: chr3-38766753-C-T.
Other names: c.3137G>A, p.Ser1046Asn (NM_001293306.2); c.2846G>A, p.Ser949Asn (NM_001293307.2); short protein forms S1046N, S1047N, S949N.
Identifiers: ClinVar variation 1921410 (VCV001921410.5), dbSNP rs771555935, ClinGen allele CA2320341.

ClinVar aggregate classification (germline): Uncertain significance (1 of 4 stars; one submission).

Conditions:
Brugada syndrome. Also called: Sudden unexpected nocturnal death syndrome; Sudden Unexplained Death Syndrome; Sudden Unexplained Nocturnal Death Syndrome (SUNDS); Sudden unexplained nocturnal death syndrome. Identifiers: Orphanet 130, MedGen C1142166, MONDO:0015263.

Allele frequency attached by ClinVar (database versions not stated): ExAC 0.00002.
gnomAD v4.1: 2 of 1,603,336 alleles (0.00012%); highest among the groups gnomAD compares: Non-Finnish European, 0.00017%; no homozygotes.

Submission:

Labcorp Genetics (formerly Invitae), Labcorp
Classification: Uncertain significance for Brugada syndrome. Last evaluated: 2022-06-29. Review status: criteria provided, single submitter. Criteria: Invitae Variant Classification Sherloc (09022015). Collection method: clinical testing. Allele origin: germline.
Comment: In summary, the available evidence is currently insufficient to determine the role of this variant in disease. Therefore, it has been classified as a Variant of Uncertain Significance. Advanced modeling of protein sequence and biophysical properties (such as structural, functional, and spatial information, amino acid conservation, physicochemical variation, residue mobility, and thermodynamic stability) performed at Invitae indicates that this missense variant is not expected to disrupt SCN10A protein function. This variant has not been reported in the literature in individuals affected with SCN10A-related conditions. This variant is present in population databases (rs771555935, gnomAD 0.002%). This sequence change replaces serine, which is neutral and polar, with asparagine, which is neutral and polar, at codon 1047 of the SCN10A protein (p.Ser1047Asn).